The following is an entry in ClinVar:

ClinVar aggregate classification (germline): Benign/Likely benign. Review status: criteria provided, multiple submitters, no conflicts (2 of 4 stars). 2 submissions from 2 submitters: Benign (1); Likely benign (1). Last evaluated 2025-08-01.

Allele frequency attached by ClinVar (database versions not stated): 1000 Genomes Project 0.00060; 1000 Genomes Project 30x 0.00062; gnomAD 0.00186 and 0.00193; gnomAD exomes 0.00221 and 0.00332; ExAC 0.00271; ESP Exome Variant Server 0.00282.
gnomAD v4.1: 4,775 of 1,518,190 alleles (0.31%); highest among the groups gnomAD compares: Non-Finnish European, 0.38%; 717 homozygotes.

Submissions (2):

CeGaT Center for Human Genetics Tuebingen
Classification: Likely benign. Last evaluated: 2025-08-01. Review status: criteria provided, single submitter. Criteria: CeGaT Center For Human Genetics Tuebingen Variant Classification Criteria Version 2. Collection method: clinical testing. Allele origin: germline. Affected: yes. Observed: 1 variant allele.
Comment: SIGLEC14: BP4, BP7

Labcorp Genetics (formerly Invitae), Labcorp
Classification: Benign. Last evaluated: 2017-12-20. Review status: criteria provided, single submitter. Criteria: Invitae Variant Classification Sherloc (09022015). Collection method: clinical testing. Allele origin: germline.

NM_001098612.3(SIGLEC14):c.771C>T (p.Ser257=)

Gene: SIGLEC14 (sialic acid binding Ig like lectin 14; minus strand). Cytogenetic location: 19q13.41.
Variant type: single nucleotide variant.
Coding change: c.771C>T on transcript NM_001098612.3 (MANE Select); coding-DNA position 771, C replaced by T.
Protein change: p.Ser257=; no amino-acid change (serine 257 retained).
Molecular consequence: synonymous variant.
Genome position (GRCh38, 1-based): chr19:51,644,020, G>A on the plus strand (C>T on the coding strand, the complement: SIGLEC14 is on the minus strand). VCF-style: chr19-51644020-G-A. GRCh37 (hg19) VCF-style: chr19-52147273-G-A.
Identifiers: ClinVar variation 719833 (VCV000719833.11), dbSNP rs118075827, ClinGen allele CA9615488.